The following is an entry in ClinVar:

ClinVar aggregate classification (germline): Likely pathogenic (1 of 4 stars; one submission).

Conditions:
Mucopolysaccharidosis type 7 (MPS7). Also called: MPS VII; BETA-GLUCURONIDASE DEFICIENCY; GUSB DEFICIENCY; SLY SYNDROME. Identifiers: Orphanet 584, MedGen C0085132, MONDO:0009662, OMIM 253220.

gnomAD v4.1: 1 of 1,577,526 alleles (0.000063%); highest among the groups gnomAD compares: South Asian, 0.0011%; no homozygotes.

Submission:

Labcorp Genetics (formerly Invitae), Labcorp
Classification: Likely pathogenic for Mucopolysaccharidosis type 7. Last evaluated: 2025-03-31. Review status: criteria provided, single submitter. Criteria: Invitae Variant Classification Sherloc (09022015). Collection method: clinical testing. Allele origin: germline.
Comment: This sequence change affects a donor splice site in intron 2 of the GUSB gene. It is expected to disrupt RNA splicing. Variants that disrupt the donor or acceptor splice site typically lead to a loss of protein function (PMID: 16199547), and loss-of-function variants in GUSB are known to be pathogenic (PMID: 19224584). This variant is not present in population databases (gnomAD no frequency). This variant has not been reported in the literature in individuals affected with GUSB-related conditions. Algorithms developed to predict the effect of sequence changes on RNA splicing suggest that this variant may disrupt the consensus splice site. In summary, the currently available evidence indicates that the variant is pathogenic, but additional data are needed to prove that conclusively. Therefore, this variant has been classified as Likely Pathogenic.

Literature cited by the submitters: PubMed 16199547; PubMed 19224584.

NM_000181.4(GUSB):c.396+1G>T

Gene: GUSB (glucuronidase beta; minus strand). Cytogenetic location: 7q11.21.
Variant type: single nucleotide variant.
Coding change: c.396+1G>T on transcript NM_000181.4 (MANE Select); the canonical splice donor site of the intron after coding-DNA position 396, G replaced by T.
Molecular consequence: splice donor variant.
Genome position (GRCh38, 1-based): chr7:65,980,223, C>A on the plus strand (G>T on the coding strand, the complement: GUSB is on the minus strand). VCF-style: chr7-65980223-C-A. GRCh37 (hg19) VCF-style: chr7-65445210-C-A.
Other names: c.67+1G>T (NM_001293105.2); c.11+1G>T (NM_001293104.2); c.396+1G>T (NM_001284290.2).
Identifiers: ClinVar variation 4808527 (VCV004808527.1).